The following is an entry in ClinVar:

ClinVar aggregate classification (germline): Uncertain significance (1 of 4 stars; one submission).

Conditions:
Leigh syndrome (NULS). Also called: Leigh's necrotizing encephalopathy; Leigh's disease; Leigh Syndrome (mtDNA deletion); Leigh's syndrome; Subacute necrotizing encephalopathy; Necrotizing encephalopathy infantile subacute of Leigh. Identifiers: Orphanet 506, MedGen C2931891, MONDO:0009723, OMIM 256000.

Submission:

Labcorp Genetics (formerly Invitae), Labcorp
Classification: Uncertain significance for Leigh syndrome. Last evaluated: 2023-05-15. Review status: criteria provided, single submitter. Criteria: Invitae Variant Classification Sherloc (09022015). Collection method: clinical testing. Allele origin: germline.
Comment: This sequence change replaces phenylalanine, which is neutral and non-polar, with tyrosine, which is neutral and polar, at codon 181 of the SURF1 protein (p.Phe181Tyr). In summary, the available evidence is currently insufficient to determine the role of this variant in disease. Therefore, it has been classified as a Variant of Uncertain Significance. Advanced modeling of protein sequence and biophysical properties (such as structural, functional, and spatial information, amino acid conservation, physicochemical variation, residue mobility, and thermodynamic stability) performed at Invitae indicates that this missense variant is not expected to disrupt SURF1 protein function. ClinVar contains an entry for this variant (Variation ID: 1478457). This variant has not been reported in the literature in individuals affected with SURF1-related conditions. This variant is not present in population databases (gnomAD no frequency).

NM_003172.4(SURF1):c.542T>A (p.Phe181Tyr)

Gene: SURF1 (SURF1 cytochrome c oxidase assembly factor; minus strand). Cytogenetic location: 9q34.2.
Variant type: single nucleotide variant.
Coding change: c.542T>A on transcript NM_003172.4 (MANE Select); coding-DNA position 542, T replaced by A.
Protein change: p.Phe181Tyr; replaces phenylalanine 181 with tyrosine.
Molecular consequence: missense variant.
Genome position (GRCh38, 1-based): chr9:133,352,740, A>T on the plus strand (T>A on the coding strand, the complement: SURF1 is on the minus strand). VCF-style: chr9-133352740-A-T. GRCh37 (hg19) VCF-style: chr9-136219595-A-T.
Other names: c.215T>A, p.Phe72Tyr (NM_001280787.1); short protein forms F181Y, F72Y.
Identifiers: ClinVar variation 1478457 (VCV001478457.6), dbSNP rs2119081467, ClinGen allele CA375694053.
Genomic context (GRCh38, chr9:133,352,740, plus strand): 5'-TCCATGTCCCTTACCTGGCCTTTCTGCCGGGTTTCAGGATTCACTTTCTTCCTGGGAACG[A>T]ACCCTCTATTTACCAGGATGGTGACTCTAGGGTAATGAAAGTGCTACTTCAGGTGGGGAG-3'
Protein context (NP_003163.1, residues 171-191): LGVTILVNRG[Phe181Tyr]VPRKKVNPET